The following is an entry in ClinVar:

ClinVar aggregate classification (germline): Likely benign. Review status: criteria provided, multiple submitters, no conflicts (2 of 4 stars). 2 submissions from 2 submitters: Likely benign (2). Last evaluated 2025-05-23.

Conditions:
Rubinstein-Taybi syndrome (RSTS). Identifiers: Orphanet 783, MedGen C0035934, MONDO:0019188.
CREBBP-related disorder. Also called: CREBBP-related condition; CREBBP-related disorders.

Allele frequency attached by ClinVar (database versions not stated): ExAC 0.00001; gnomAD 0.00001; gnomAD exomes 0.00001; TOPMed 0.00002.
gnomAD v4.1: 18 of 1,613,576 alleles (0.0011%); highest among the groups gnomAD compares: South Asian, 0.0022%; no homozygotes.

Submissions (2):

PreventionGenetics, part of Exact Sciences
Classification: Likely benign for CREBBP-related condition. Last evaluated: 2025-05-23. Review status: criteria provided, single submitter. Criteria: ACMG Guidelines, 2015. Collection method: clinical testing. Allele origin: germline.
Comment: This variant is classified as likely benign based on ACMG/AMP sequence variant interpretation guidelines (Richards et al. 2015 PMID: 25741868, with internal and published modifications).

Labcorp Genetics (formerly Invitae), Labcorp
Classification: Likely benign for Rubinstein-Taybi syndrome. Last evaluated: 2023-11-13. Review status: criteria provided, single submitter. Criteria: Invitae Variant Classification Sherloc (09022015). Collection method: clinical testing. Allele origin: germline.

NM_004380.3(CREBBP):c.941T>C (p.Ile314Thr)

Gene: CREBBP (CREB binding lysine acetyltransferase; minus strand). Cytogenetic location: 16p13.3.
Variant type: single nucleotide variant.
Coding change: c.941T>C on transcript NM_004380.3 (MANE Select); coding-DNA position 941, T replaced by C.
Protein change: p.Ile314Thr; replaces isoleucine 314 with threonine.
Molecular consequence: missense variant.
Genome position (GRCh38, 1-based): chr16:3,810,637, A>G on the plus strand (T>C on the coding strand, the complement: CREBBP is on the minus strand). VCF-style: chr16-3810637-A-G. GRCh37 (hg19) VCF-style: chr16-3860638-A-G.
Other names: c.941T>C (NM_004380.2); c.941T>C, p.Ile314Thr (NM_001079846.1); short protein forms I314T.
Identifiers: ClinVar variation 2918316 (VCV002918316.4), dbSNP rs762450931, ClinGen allele CA7870561.